The following is an entry in ClinVar:

ClinVar aggregate classification (germline): Likely benign (1 of 4 stars; one submission).

Submission:

CeGaT Center for Human Genetics Tuebingen
Classification: Likely benign. Last evaluated: 2022-11-01. Review status: criteria provided, single submitter. Criteria: CeGaT Center For Human Genetics Tuebingen Variant Classification Criteria Version 2. Collection method: clinical testing. Allele origin: germline. Affected: yes. Observed: 1 variant allele.
Comment: GOLGA8K: PM2:Supporting, BP4, BP7

NM_001282493.2(GOLGA8K):c.444C>T (p.Asp148=)

Gene: GOLGA8K (golgin A8 family member K). Cytogenetic location: 15q13.3.
Variant type: single nucleotide variant.
Coding change: c.444C>T on transcript NM_001282493.2 (MANE Select); coding-DNA position 444, C replaced by T.
Protein change: p.Asp148=; no amino-acid change (aspartic acid 148 retained).
Molecular consequence: synonymous variant.
Genome position (GRCh38, 1-based): chr15:32,398,802, G>A on the plus strand (C>T on the coding strand, the complement: GOLGA8K is on the minus strand). VCF-style: chr15-32398802-G-A. GRCh37 (hg19) VCF-style: chr15-32691003-G-A.
Identifiers: ClinVar variation 2645122 (VCV002645122.24), dbSNP rs1352073111, ClinGen allele CA489516628.
Genomic context (GRCh38, chr15:32,398,802, plus strand): 5'-TGACAGGGTGCCCAGATTCCCACCTTCAAAGTATCTGAGAGAACGTTTCATGTGGTACAG[G>A]TCCGTATTTAGTTCCTCTTTCTGTATGTTCAATGTCTGGATTTGAACCTTTGGGAGAAAA-3'
Protein context (NP_001269422.1, residues 138-158): LNIQKEELNT[Asp148=]LYHMKRSLRY